The following is an entry in ClinVar:

ClinVar aggregate classification (germline): Uncertain significance (1 of 4 stars; one submission).

gnomAD v4.1: 4 of 1,614,158 alleles (0.00025%); highest among the groups gnomAD compares: Non-Finnish European, 0.000085%; no homozygotes.

Submission:

Labcorp Genetics (formerly Invitae), Labcorp
Classification: Uncertain significance. Last evaluated: 2024-09-30. Review status: criteria provided, single submitter. Criteria: Invitae Variant Classification Sherloc (09022015). Collection method: clinical testing. Allele origin: germline.
Comment: This sequence change replaces lysine, which is basic and polar, with asparagine, which is neutral and polar, at codon 844 of the LCT protein (p.Lys844Asn). This variant is present in population databases (no rsID available, gnomAD 0.0009%). This variant has not been reported in the literature in individuals affected with LCT-related conditions. An algorithm developed to predict the effect of missense changes on protein structure and function (PolyPhen-2) suggests that this variant is likely to be tolerated. In summary, the available evidence is currently insufficient to determine the role of this variant in disease. Therefore, it has been classified as a Variant of Uncertain Significance.

NM_002299.4(LCT):c.2532G>T (p.Lys844Asn)

Gene: LCT (lactase; minus strand). Cytogenetic location: 2q21.3.
Variant type: single nucleotide variant.
Coding change: c.2532G>T on transcript NM_002299.4 (MANE Select); coding-DNA position 2532, G replaced by T.
Protein change: p.Lys844Asn; replaces lysine 844 with asparagine.
Molecular consequence: missense variant.
Genome position (GRCh38, 1-based): chr2:135,809,815, C>A on the plus strand (G>T on the coding strand, the complement: LCT is on the minus strand). VCF-style: chr2-135809815-C-A. GRCh37 (hg19) VCF-style: chr2-136567385-C-A.
Other names: short protein forms K844N.
Identifiers: ClinVar variation 3715140 (VCV003715140.2).
Genomic context (GRCh38, chr2:135,809,815, plus strand): 5'-GGGGAGGTTTACTGTATTAGGTGGTAGCAGTCTTTTTGCCCCCTTGGTGAGGAAACCGTT[C>A]TTTTCTATGATGCTAGTGAAAAAGTAGGCAGATTTCCTGGGAGTCCTTGACTTGCTGCTG-3'
Protein context (NP_002290.2, residues 834-854): SAYFFTSIIE[Lys844Asn]NGFLTKGAKR